The following is an entry in ClinVar:

ClinVar aggregate classification (germline): Benign/Likely benign. Review status: criteria provided, multiple submitters, no conflicts (2 of 4 stars). 5 submissions from 5 submitters: Benign (2); Likely benign (3). Last evaluated 2026-03-01.

Conditions:
Inborn genetic diseases. Identifiers: MedGen C0950123, MeSH D030342.
Mowat-Wilson syndrome (MOWS). Also called: Classic Mowat-Wilson Syndrome. Identifiers: Orphanet 2152, MedGen C1856113, MONDO:0009341, OMIM 235730.

Allele frequency attached by ClinVar (database versions not stated): gnomAD 0.00004; ExAC 0.00005; TOPMed 0.00005; gnomAD exomes 0.00006; ESP Exome Variant Server 0.00008.
gnomAD v4.1: 85 of 1,613,978 alleles (0.0053%); highest among the groups gnomAD compares: Non-Finnish European, 0.0069%; no homozygotes.

Submissions (5):

CeGaT Center for Human Genetics Tuebingen
Classification: Likely benign. Last evaluated: 2026-03-01. Review status: criteria provided, single submitter. Criteria: CeGaT Center For Human Genetics Tuebingen Variant Classification Criteria Version 2. Collection method: clinical testing. Allele origin: germline. Affected: yes. Observed: 1 variant allele.
Comment: ZEB2: BP4

Labcorp Genetics (formerly Invitae), Labcorp
Classification: Likely benign for Mowat-Wilson syndrome. Last evaluated: 2025-11-24. Review status: criteria provided, single submitter. Criteria: Invitae Variant Classification Sherloc (09022015). Collection method: clinical testing. Allele origin: germline.

Genome-Nilou Lab
Classification: Benign for Mowat-Wilson syndrome. Last evaluated: 2021-11-07. Review status: criteria provided, single submitter. Criteria: ACMG Guidelines, 2015. Collection method: clinical testing. Allele origin: germline. Affected: no.

Ambry Genetics
Classification: Likely benign for Inborn genetic diseases. Last evaluated: 2018-05-18. Review status: criteria provided, single submitter. Criteria: Ambry Variant Classification Scheme 2023. Collection method: clinical testing. Allele origin: germline.

GeneDx
Classification: Benign. Last evaluated: 2014-07-18. Review status: criteria provided, single submitter. Criteria: GeneDx Variant Classification (06012015). Collection method: clinical testing. Allele origin: germline. Affected: yes.
Comment: This variant is considered likely benign or benign based on one or more of the following criteria: it is a conservative change, it occurs at a poorly conserved position in the protein, it is predicted to be benign by multiple in silico algorithms, and/or has population frequency not consistent with disease.

NM_014795.4(ZEB2):c.768C>T (p.Leu256=)

Gene: ZEB2 (zinc finger E-box binding homeobox 2; minus strand). Cytogenetic location: 2q22.3.
Variant type: single nucleotide variant.
Coding change: c.768C>T on transcript NM_014795.4 (MANE Select); coding-DNA position 768, C replaced by T.
Protein change: p.Leu256=; no amino-acid change (leucine 256 retained).
Molecular consequence: synonymous variant.
Genome position (GRCh38, 1-based): chr2:144,403,955, G>A on the plus strand (C>T on the coding strand, the complement: ZEB2 is on the minus strand). VCF-style: chr2-144403955-G-A. GRCh37 (hg19) VCF-style: chr2-145161522-G-A.
Other names: p.L256L:CTC>CTT; c.696C>T, p.Leu232= (NM_001171653.2).
Identifiers: ClinVar variation 181707 (VCV000181707.17), dbSNP rs370751674, ClinGen allele CA297554.